The following is an entry in ClinVar:

ClinVar aggregate classification (germline): Uncertain significance (1 of 4 stars; one submission).

Conditions:
Severe X-linked myotubular myopathy (CNMX). Also called: MYOTUBULAR MYOPATHY 1; X-linked centronuclear myopathy; Myotubular myopathy, X-linked. Identifiers: Orphanet 596, MedGen C0410203, MONDO:0010683, OMIM 310400.

Submission:

Labcorp Genetics (formerly Invitae), Labcorp
Classification: Uncertain significance for Severe X-linked myotubular myopathy. Last evaluated: 2023-04-09. Review status: criteria provided, single submitter. Criteria: Invitae Variant Classification Sherloc (09022015). Collection method: clinical testing. Allele origin: germline.
Comment: This sequence change replaces proline, which is neutral and non-polar, with threonine, which is neutral and polar, at codon 543 of the MTM1 protein (p.Pro543Thr). This variant is not present in population databases (gnomAD no frequency). This variant has not been reported in the literature in individuals affected with MTM1-related conditions. Algorithms developed to predict the effect of missense changes on protein structure and function output the following: SIFT: "Not Available"; PolyPhen-2: "Benign"; Align-GVGD: "Not Available". The threonine amino acid residue is found in multiple mammalian species, which suggests that this missense change does not adversely affect protein function. In summary, the available evidence is currently insufficient to determine the role of this variant in disease. Therefore, it has been classified as a Variant of Uncertain Significance.

NM_000252.3(MTM1):c.1627C>A (p.Pro543Thr)

Gene: MTM1 (myotubularin 1; plus strand). Cytogenetic location: Xq28.
Variant type: single nucleotide variant.
Coding change: c.1627C>A on transcript NM_000252.3 (MANE Select); coding-DNA position 1627, C replaced by A.
Protein change: p.Pro543Thr; replaces proline 543 with threonine.
Molecular consequence: missense variant.
Genome position (GRCh38, 1-based): chrX:150,663,592, C>A. VCF-style: chrX-150663592-C-A. GRCh37 (hg19) VCF-style: chrX-149832065-C-A.
Other names: c.1627C>A, p.Pro543Thr (NM_001376906.1, NM_001376908.1); c.1516C>A, p.Pro506Thr (NM_001376907.1); short protein forms P506T, P543T.
Identifiers: ClinVar variation 2853811 (VCV002853811.3), dbSNP rs2522460662, ClinGen allele CA415260469.